The following is an entry in ClinVar:

NM_001022.4(RPS19):c.320T>C (p.Leu107Pro)

Genes: RPS19 (ribosomal protein S19; plus strand), RPS19-CD79A (RPS19-CD79A readthrough; plus strand). Cytogenetic location: 19q13.2.
Variant type: single nucleotide variant.
Coding change: c.320T>C on transcript NM_001022.4 (MANE Select); coding-DNA position 320, T replaced by C.
Protein change: p.Leu107Pro; replaces leucine 107 with proline.
Molecular consequence: missense variant. On other transcripts: synonymous variant (1).
Genome position (GRCh38, 1-based): chr19:41,869,178, T>C. VCF-style: chr19-41869178-T-C. GRCh37 (hg19) VCF-style: chr19-42373248-T-C.
Other names: c.320T>C, p.Leu107Pro (NM_001321483.2, NM_001321484.2); c.333T>C, p.Pro111= (NM_001321485.2); short protein forms L107P.
Identifiers: ClinVar variation 1728922 (VCV001728922.2), dbSNP rs2513683341, ClinGen allele CA406030536.

ClinVar aggregate classification (germline): Uncertain significance (1 of 4 stars; one submission).

Conditions:
Diamond-Blackfan anemia. Also called: Blackfan Diamond syndrome; Aregenerative anemia chronic congenital; Red cell aplasia, pure hereditary; Congenital hypoplastic anemia; Aase syndrome. Identifiers: Orphanet 124, MedGen C1260899, MeSH D029503, MONDO:0015253, HP:0004810.

Submission:

Ambry Genetics
Classification: Uncertain significance for Diamond-Blackfan anemia. Last evaluated: 2017-07-06. Review status: criteria provided, single submitter. Criteria: Ambry Variant Classification Scheme 2023. Collection method: clinical testing. Allele origin: germline.
Comment: The p.L107P variant (also known as c.320T>C), located in coding exon 3 of the RPS19 gene, results from a T to C substitution at nucleotide position 320. The leucine at codon 107 is replaced by proline, an amino acid with similar properties. This amino acid position is highly conserved in available vertebrate species. In addition, this alteration is predicted to be deleterious by in silico analysis. Since supporting evidence is limited at this time, the clinical significance of this alteration remains unclear.